The following is an entry in ClinVar:

NM_000264.5(PTCH1):c.4302C>A (p.Asp1434Glu)

Gene: PTCH1 (patched 1; minus strand). Cytogenetic location: 9q22.32.
Variant type: single nucleotide variant.
Coding change: c.4302C>A on transcript NM_000264.5 (MANE Select); coding-DNA position 4302, C replaced by A.
Protein change: p.Asp1434Glu; replaces aspartic acid 1434 with glutamic acid.
Molecular consequence: missense variant. On other transcripts: non-coding transcript variant (1).
Genome position (GRCh38, 1-based): chr9:95,446,954, G>T on the plus strand (C>A on the coding strand, the complement: PTCH1 is on the minus strand). VCF-style: chr9-95446954-G-T. GRCh37 (hg19) VCF-style: chr9-98209236-G-T.
Other names: c.4104C>A, p.Asp1368Glu (NM_001083602.3); c.4299C>A, p.Asp1433Glu (NM_001083603.3); c.3849C>A, p.Asp1283Glu (NM_001083604.3, NM_001083605.3, NM_001083606.3 and 1 more transcripts); c.4146C>A, p.Asp1382Glu (NM_001354918.2); short protein forms D1283E, D1368E, D1382E, D1433E, D1434E.
Identifiers: ClinVar variation 4862673 (VCV004862673.1).

ClinVar aggregate classification (germline): Uncertain significance (1 of 4 stars; one submission).

Conditions:
Hereditary cancer-predisposing syndrome. Also called: Neoplastic Syndromes, Hereditary; Tumor predisposition; Hereditary Cancer Syndrome; Hereditary neoplastic syndrome. Identifiers: Orphanet 140162, MedGen C0027672, MeSH D009386, MONDO:0015356.

Submission:

Ambry Genetics
Classification: Uncertain significance for Hereditary cancer-predisposing syndrome. Last evaluated: 2026-04-16. Review status: criteria provided, single submitter. Criteria: Ambry Variant Classification Scheme 2023. Collection method: clinical testing. Allele origin: germline.
Comment: The p.D1434E variant (also known as c.4302C>A), located in coding exon 23 of the PTCH1 gene, results from a C to A substitution at nucleotide position 4302. The aspartic acid at codon 1434 is replaced by glutamic acid, an amino acid with highly similar properties. This amino acid position is conserved. In addition, the in silico prediction for this alteration is inconclusive. Based on the available evidence, the clinical significance of this variant remains unclear.